The following is an entry in ClinVar:

NM_000264.5(PTCH1):c.4057G>C (p.Ala1353Pro)

Gene: PTCH1 (patched 1; minus strand). Cytogenetic location: 9q22.32.
Variant type: single nucleotide variant.
Coding change: c.4057G>C on transcript NM_000264.5 (MANE Select); coding-DNA position 4057, G replaced by C.
Protein change: p.Ala1353Pro; replaces alanine 1353 with proline.
Molecular consequence: missense variant. On other transcripts: non-coding transcript variant (1).
Genome position (GRCh38, 1-based): chr9:95,447,199, C>G on the plus strand (G>C on the coding strand, the complement: PTCH1 is on the minus strand). VCF-style: chr9-95447199-C-G. GRCh37 (hg19) VCF-style: chr9-98209481-C-G.
Other names: c.3859G>C, p.Ala1287Pro (NM_001083602.3); c.4054G>C, p.Ala1352Pro (NM_001083603.3); c.3604G>C, p.Ala1202Pro (NM_001083604.3, NM_001083605.3, NM_001083606.3 and 1 more transcripts); c.3901G>C, p.Ala1301Pro (NM_001354918.2); short protein forms A1202P, A1353P, A1301P, A1287P, A1352P.
Identifiers: ClinVar variation 5027497 (VCV005027497.1).

ClinVar aggregate classification (germline): Uncertain significance (1 of 4 stars; one submission).

Conditions:
Hereditary cancer-predisposing syndrome. Also called: Neoplastic Syndromes, Hereditary; Tumor predisposition; Hereditary neoplastic syndrome; Hereditary Cancer Syndrome. Identifiers: Orphanet 140162, MedGen C0027672, MeSH D009386, MONDO:0015356.

Submission:

Ambry Genetics
Classification: Uncertain significance for Hereditary cancer-predisposing syndrome. Last evaluated: 2026-07-07. Review status: criteria provided, single submitter. Criteria: Ambry Variant Classification Scheme 2023. Collection method: clinical testing. Allele origin: germline.
Comment: The p.A1287P variant (also known as c.3859G>C), located in coding exon 23 of the PTCH1 gene, results from a G to C substitution at nucleotide position 3859. The alanine at codon 1287 is replaced by proline, an amino acid with highly similar properties. This amino acid position is conserved. In addition, this alteration is predicted to be tolerated by in silico analysis. Based on the available evidence, the clinical significance of this variant remains unclear.